The following is an entry in ClinVar:

ClinVar aggregate classification (germline): Benign/Likely benign. Review status: criteria provided, multiple submitters, no conflicts (2 of 4 stars). 3 submissions from 3 submitters: Benign (1); Likely benign (2). Last evaluated 2026-05-01.

Allele frequency attached by ClinVar (database versions not stated): ESP Exome Variant Server 0.00229; 1000 Genomes Project 0.00280; gnomAD 0.00285; TOPMed 0.00319; 1000 Genomes Project 30x 0.00422; gnomAD exomes 0.00032; ExAC 0.00099.
gnomAD v4.1: 892 of 1,596,720 alleles (0.056%); highest among the groups gnomAD compares: African/African-American, 1%; 4 homozygotes.

Submissions (3):

CeGaT Center for Human Genetics Tuebingen
Classification: Likely benign. Last evaluated: 2026-05-01. Review status: criteria provided, single submitter. Criteria: CeGaT Center For Human Genetics Tuebingen Variant Classification Criteria Version 2. Collection method: clinical testing. Allele origin: germline. Affected: yes. Observed: 3 variant alleles.
Comment: LAMA5: BP4, BP7

Labcorp Genetics (formerly Invitae), Labcorp
Classification: Benign. Last evaluated: 2025-12-25. Review status: criteria provided, single submitter. Criteria: Invitae Variant Classification Sherloc (09022015). Collection method: clinical testing. Allele origin: germline.

Blueprint Genetics
Classification: Likely benign. Last evaluated: 2024-09-13. Review status: criteria provided, single submitter. Criteria: ACMG Guidelines, 2015. Collection method: clinical testing. Allele origin: germline.

NM_005560.6(LAMA5):c.6360T>G (p.Pro2120=)

Gene: LAMA5 (laminin subunit alpha 5; minus strand). Cytogenetic location: 20q13.33.
Variant type: single nucleotide variant.
Coding change: c.6360T>G on transcript NM_005560.6 (MANE Select); coding-DNA position 6360, T replaced by G.
Protein change: p.Pro2120=; no amino-acid change (proline 2120 retained).
Molecular consequence: synonymous variant.
Genome position (GRCh38, 1-based): chr20:62,322,155, A>C on the plus strand (T>G on the coding strand, the complement: LAMA5 is on the minus strand). VCF-style: chr20-62322155-A-C. GRCh37 (hg19) VCF-style: chr20-60897211-A-C.
Identifiers: ClinVar variation 2050474 (VCV002050474.28), dbSNP rs185644230, ClinGen allele CA9941778.